The following is an entry in ClinVar:

NM_020738.4(KIDINS220):c.4269del (p.Gly1425fs)

Gene: KIDINS220 (kinase D interacting substrate 220; minus strand). Cytogenetic location: 2p25.1.
Variant type: Deletion.
Coding change: c.4269del on transcript NM_020738.4 (MANE Select); coding-DNA position 4269, one base deleted (A; older notation c.4269delA).
Protein change: p.Gly1425fs; shifts the reading frame from glycine 1425.
Molecular consequence: frameshift variant. On other transcripts: intron variant (6).
Genome position (GRCh38, 1-based): chr2:8,731,767, T deleted on the plus strand (A on the coding strand, the reverse complement: KIDINS220 is on the minus strand). VCF-style (leftmost placement, unchanged base first): chr2-8731766-CT-C. GRCh37 (hg19) VCF-style: chr2-8871896-CT-C.
Other names: c.4272del, p.Gly1426fs (NM_001348729.2); c.4215del, p.Gly1407fs (NM_001348731.2); c.4212del, p.Gly1406fs (NM_001348732.2); c.4101del, p.Gly1369fs (NM_001348734.2); c.4098del, p.Gly1368fs (NM_001348735.2); c.3972del, p.Gly1326fs (NM_001348736.2); c.3882+1677del (NM_001348741.2, NM_001348742.2, NM_001348743.2); c.3996+1677del (NM_001348738.2); and 1 more; short protein forms G1406fs, G1426fs, G1369fs, G1425fs, G1326fs, G1368fs, G1407fs.
Identifiers: ClinVar variation 2979344 (VCV002979344.5), dbSNP rs2527406250, ClinGen allele CA2740092680.

ClinVar aggregate classification (germline): Conflicting classifications of pathogenicity. Review status: criteria provided, conflicting classifications (1 of 4 stars). 3 submissions from 2 submitters: Likely pathogenic (2); Uncertain significance (1). Last evaluated 2025-09-10.

Conditions:
Kabuki syndrome 1 (KABUK1). Also called: KMT2D-Related Kabuki Syndrome. Identifiers: Orphanet 2322, MedGen CN030661, MONDO:0007843, OMIM 147920.
Spastic paraplegia, intellectual disability, nystagmus, and obesity. Also called: Spastic paraplegia, intellectual disability, nystagmus, and obesity;. Identifiers: Orphanet 521390, MedGen C4284592, MONDO:0015007, OMIM 617296.

Submissions (3):

Genomic Medicine Center of Excellence, King Faisal Specialist Hospital and Research Centre
Classification: Likely pathogenic for Spastic paraplegia, intellectual disability, nystagmus, and obesity. Last evaluated: 2025-09-10. Review status: criteria provided, single submitter. Criteria: ACMG Guidelines, 2015. Collection method: clinical testing. Allele origin: germline.

Genomic Medicine Center of Excellence, King Faisal Specialist Hospital and Research Centre
Classification: Likely pathogenic for Kabuki syndrome 1. Last evaluated: 2024-12-17. Review status: criteria provided, single submitter. Criteria: ACMG Guidelines, 2015. Collection method: clinical testing. Allele origin: germline.

Labcorp Genetics (formerly Invitae), Labcorp
Classification: Uncertain significance. Last evaluated: 2023-11-08. Review status: criteria provided, single submitter. Criteria: Invitae Variant Classification Sherloc (09022015). Collection method: clinical testing. Allele origin: germline.
Comment: This sequence change creates a premature translational stop signal (p.Gly1425Alafs*7) in the KIDINS220 gene. While this is not anticipated to result in nonsense mediated decay, it is expected to disrupt the last 347 amino acid(s) of the KIDINS220 protein. This variant is not present in population databases (gnomAD no frequency). This premature translational stop signal has been observed in individual(s) with clinical features of spastic paraplegia (Invitae). Experimental studies and prediction algorithms are not available or were not evaluated, and the functional significance of this variant is currently unknown. In summary, the available evidence is currently insufficient to determine the role of this variant in disease. Therefore, it has been classified as a Variant of Uncertain Significance.